The following is an entry in ClinVar:

NM_001278116.2(L1CAM):c.2822C>T (p.Pro941Leu)

Gene: L1CAM (L1 cell adhesion molecule; minus strand). Cytogenetic location: Xq28.
Variant type: single nucleotide variant.
Coding change: c.2822C>T on transcript NM_001278116.2 (MANE Select); coding-DNA position 2822, C replaced by T.
Protein change: p.Pro941Leu; replaces proline 941 with leucine.
Molecular consequence: missense variant.
Genome position (GRCh38, 1-based): chrX:153,865,138, G>A on the plus strand (C>T on the coding strand, the complement: L1CAM is on the minus strand). VCF-style: chrX-153865138-G-A. GRCh37 (hg19) VCF-style: chrX-153130593-G-A.
Other names: c.2822C>T, p.Pro941Leu (NM_000425.5, NM_024003.3); c.2807C>T, p.Pro936Leu (NM_001143963.2); short protein forms P936L, P941L.
Identifiers: ClinVar variation 1074836 (VCV001074836.9), dbSNP rs2148493879, ClinGen allele CA415114873.

ClinVar aggregate classification (germline): Pathogenic (1 of 4 stars; one submission).

Conditions:
Spastic paraplegia. Identifiers: MedGen C0037772, HP:0001258.

Submission:

Labcorp Genetics (formerly Invitae), Labcorp
Classification: Pathogenic for Spastic paraplegia. Last evaluated: 2020-10-22. Review status: criteria provided, single submitter. Criteria: Invitae Variant Classification Sherloc (09022015). Collection method: clinical testing. Allele origin: germline.
Comment: Advanced modeling of protein sequence and biophysical properties (such as structural, functional, and spatial information, amino acid conservation, physicochemical variation, residue mobility, and thermodynamic stability) performed at Invitae indicates that this missense variant is expected to disrupt L1CAM protein function. This variant has been observed in individual(s) with L1CAM-related conditions (PMID: 7762552, Invitae). It has also been observed to segregate with disease in related individuals. This variant is not present in population databases (ExAC no frequency). This sequence change replaces proline with leucine at codon 941 of the L1CAM protein (p.Pro941Leu). The proline residue is highly conserved and there is a moderate physicochemical difference between proline and leucine. or these reasons, this variant has been classified as Pathogenic. Experimental studies have shown that this variant affects L1CAM protein function (PMID: 22973895, 21688291, 11772994).

Literature cited by the submitters: PubMed 7762552; PubMed 22973895; PubMed 21688291; PubMed 11772994.